The following is an entry in ClinVar:

ClinVar aggregate classification (germline): Uncertain significance (1 of 4 stars; one submission).

Conditions:
PLXNA4-related disorder. Also called: PLXNA4-related condition.

gnomAD v4.1: 1 of 1,607,144 alleles (0.000062%); highest among the groups gnomAD compares: Non-Finnish European, 0.000085%; no homozygotes.

Submission:

PreventionGenetics, part of Exact Sciences
Classification: Uncertain significance for PLXNA4-related condition. Last evaluated: 2026-02-27. Review status: criteria provided, single submitter. Criteria: ACMG Guidelines, 2015. Collection method: clinical testing. Allele origin: germline.
Comment: The PLXNA4 c.1294A>G variant is predicted to result in the amino acid substitution p.Met432Val. To our knowledge, this variant has not been reported in the literature or in a large population database (gnomAD), indicating this variant is rare. At this time, the clinical significance of this variant is uncertain due to the absence of conclusive functional and genetic evidence.

NM_020911.2(PLXNA4):c.1294A>G (p.Met432Val)

Gene: PLXNA4 (plexin A4; minus strand). Cytogenetic location: 7q32.3.
Variant type: single nucleotide variant.
Coding change: c.1294A>G on transcript NM_020911.2 (MANE Select); coding-DNA position 1294, A replaced by G.
Protein change: p.Met432Val; replaces methionine 432 with valine.
Molecular consequence: missense variant.
Genome position (GRCh38, 1-based): chr7:132,489,369, T>C on the plus strand (A>G on the coding strand, the complement: PLXNA4 is on the minus strand). VCF-style: chr7-132489369-T-C. GRCh37 (hg19) VCF-style: chr7-132174128-T-C.
Other names: c.1294A>G, p.Met432Val (NM_001105543.2, NM_001393897.1, NM_181775.4); short protein forms M432V.
Identifiers: ClinVar variation 4982379 (VCV004982379.1).